The following is an entry in ClinVar:

NM_001845.6(COL4A1):c.2514G>A (p.Met838Ile)

Gene: COL4A1 (collagen type IV alpha 1 chain; minus strand). Cytogenetic location: 13q34.
Variant type: single nucleotide variant.
Coding change: c.2514G>A on transcript NM_001845.6 (MANE Select); coding-DNA position 2514, G replaced by A.
Protein change: p.Met838Ile; replaces methionine 838 with isoleucine.
Molecular consequence: missense variant.
Genome position (GRCh38, 1-based): chr13:110,178,176, C>T on the plus strand (G>A on the coding strand, the complement: COL4A1 is on the minus strand). VCF-style: chr13-110178176-C-T. GRCh37 (hg19) VCF-style: chr13-110830523-C-T.
Other names: c.2514G>A (NM_001845.4); short protein forms M838I.
Identifiers: ClinVar variation 2731849 (VCV002731849.4), dbSNP rs550808618, ClinGen allele CA7047568.

ClinVar aggregate classification (germline): Uncertain significance. Review status: criteria provided, multiple submitters, no conflicts (2 of 4 stars). 2 submissions from 2 submitters: Uncertain significance (2). Last evaluated 2023-07-03.

gnomAD v4.1: 3 of 1,614,204 alleles (0.00019%); highest among the groups gnomAD compares: Admixed American, 0.0033%; no homozygotes.

Submissions (2):

GeneDx
Classification: Uncertain significance. Last evaluated: 2023-07-03. Review status: criteria provided, single submitter. Criteria: GeneDx Variant Classification Process June 2021. Collection method: clinical testing. Allele origin: germline. Affected: yes.
Comment: Occurs in the triple helical domain within an interruption of the canonical Gly-X-Y repeat; In silico analysis supports that this missense variant does not alter protein structure/function; Has not been previously published as pathogenic or benign to our knowledge

Labcorp Genetics (formerly Invitae), Labcorp
Classification: Uncertain significance. Last evaluated: 2023-05-13. Review status: criteria provided, single submitter. Criteria: Invitae Variant Classification Sherloc (09022015). Collection method: clinical testing. Allele origin: germline.
Comment: In summary, the available evidence is currently insufficient to determine the role of this variant in disease. Therefore, it has been classified as a Variant of Uncertain Significance. An algorithm developed to predict the effect of missense changes on protein structure and function (PolyPhen-2) suggests that this variant is likely to be tolerated. This variant has not been reported in the literature in individuals affected with COL4A1-related conditions. This variant is present in population databases (rs550808618, gnomAD 0.006%). This sequence change replaces methionine, which is neutral and non-polar, with isoleucine, which is neutral and non-polar, at codon 838 of the COL4A1 protein (p.Met838Ile).